The following is an entry in ClinVar:

ClinVar aggregate classification (germline): Benign/Likely benign. Review status: criteria provided, multiple submitters, no conflicts (2 of 4 stars). 6 submissions from 6 submitters: Benign (1); Likely benign (5). Last evaluated 2025-11-29.

Conditions:
Hereditary cancer-predisposing syndrome. Also called: Hereditary Cancer Syndrome; Neoplastic Syndromes, Hereditary; Tumor predisposition; Hereditary neoplastic syndrome. Identifiers: Orphanet 140162, MedGen C0027672, MeSH D009386, MONDO:0015356.
Familial cancer of breast. Also called: BREAST CANCER, FAMILIAL; Hereditary breast cancer; hereditary breast carcinoma. Identifiers: Orphanet 227535, MedGen C0346153, MONDO:0016419, OMIM 114480. Disease mechanism: loss of function.
Ataxia-telangiectasia syndrome (AT). Also called: Ataxia-telangiectasia, complementation group D; AT, COMPLEMENTATION GROUP C; ATAXIA-TELANGIECTASIA, COMPLEMENTATION GROUP A; ATAXIA-TELANGIECTASIA, FRESNO VARIANT; Ataxia-telangiectasia; LOUIS-BAR SYNDROME. Identifiers: Orphanet 100, MedGen C0004135, MONDO:0008840, OMIM 208900.

Allele frequency attached by ClinVar (database versions not stated): gnomAD exomes 0.00001; TOPMed 0.00002; gnomAD 0.00006.
gnomAD v4.1: 10 of 1,613,224 alleles (0.00062%); highest among the groups gnomAD compares: African/African-American, 0.011%; no homozygotes.

Submissions (6):

Women's Health and Genetics/Laboratory Corporation of America, LabCorp
Classification: Likely benign. Last evaluated: 2025-11-29. Review status: criteria provided, single submitter. Criteria: LabCorp Variant Classification Summary - May 2015. Collection method: clinical testing. Allele origin: germline.

Labcorp Genetics (formerly Invitae), Labcorp
Classification: Likely benign for Ataxia-telangiectasia syndrome. Last evaluated: 2025-02-19. Review status: criteria provided, single submitter. Criteria: Invitae Variant Classification Sherloc (09022015). Collection method: clinical testing. Allele origin: germline.

Myriad Genetics, Inc.
Classification: Benign for Familial cancer of breast. Last evaluated: 2024-05-17. Review status: criteria provided, single submitter. Criteria: Myriad Autosomal Dominant, Autosomal Recessive and X-Linked Classification Criteria (2023). Collection method: clinical testing. Allele origin: unknown.
Comment: This variant is considered benign. This variant is a silent/synonymous amino acid change and it is not expected to impact splicing.

GeneDx
Classification: Likely benign. Last evaluated: 2018-05-16. Review status: criteria provided, single submitter. Criteria: GeneDx Variant Classification Process June 2021. Collection method: clinical testing. Allele origin: germline. Affected: yes.

Color Diagnostics, LLC DBA Color Health
Classification: Likely benign for Hereditary cancer-predisposing syndrome. Last evaluated: 2016-08-19. Review status: criteria provided, single submitter. Criteria: ACMG Guidelines, 2015. Collection method: clinical testing. Allele origin: germline.

Ambry Genetics
Classification: Likely benign for Hereditary cancer-predisposing syndrome. Last evaluated: 2014-12-10. Review status: criteria provided, single submitter. Criteria: Ambry Variant Classification Scheme 2023. Collection method: clinical testing. Allele origin: germline.

NM_000051.4(ATM):c.4449C>T (p.Ile1483=)

Gene: ATM (ATM serine/threonine kinase; plus strand). Cytogenetic location: 11q22.3.
Variant type: single nucleotide variant.
Coding change: c.4449C>T on transcript NM_000051.4 (MANE Select); coding-DNA position 4449, C replaced by T.
Protein change: p.Ile1483=; no amino-acid change (isoleucine 1483 retained).
Molecular consequence: synonymous variant.
Genome position (GRCh38, 1-based): chr11:108,292,631, C>T. VCF-style: chr11-108292631-C-T. GRCh37 (hg19) VCF-style: chr11-108163358-C-T.
Other names: c.4449C>T, p.Ile1483= (NM_001351834.2).
Identifiers: ClinVar variation 187428 (VCV000187428.19), dbSNP rs786203726, ClinGen allele CA197626.